The following is an entry in ClinVar:

NM_004655.4(AXIN2):c.431T>C (p.Ile144Thr)

Gene: AXIN2 (axin 2; minus strand). Cytogenetic location: 17q24.1.
Variant type: single nucleotide variant.
Coding change: c.431T>C on transcript NM_004655.4 (MANE Select); coding-DNA position 431, T replaced by C.
Protein change: p.Ile144Thr; replaces isoleucine 144 with threonine.
Molecular consequence: missense variant.
Genome position (GRCh38, 1-based): chr17:65,558,190, A>G on the plus strand (T>C on the coding strand, the complement: AXIN2 is on the minus strand). VCF-style: chr17-65558190-A-G. GRCh37 (hg19) VCF-style: chr17-63554308-A-G.
Other names: c.431T>C, p.Ile144Thr (NM_001363813.1); short protein forms I144T.
Identifiers: ClinVar variation 2970579 (VCV002970579.4), dbSNP rs2544250980, ClinGen allele CA400681403.

ClinVar aggregate classification (germline): Uncertain significance. Review status: criteria provided, multiple submitters, no conflicts (2 of 4 stars). 2 submissions from 2 submitters: Uncertain significance (2). Last evaluated 2026-07-07.

Conditions:
Oligodontia-cancer predisposition syndrome. Also called: TOOTH AGENESIS-COLORECTAL CANCER SYNDROME. Identifiers: Orphanet 300576, MedGen C1837750, MONDO:0012075, OMIM 608615. Disease mechanism: loss of function.
Hereditary cancer-predisposing syndrome. Also called: Hereditary Cancer Syndrome; Hereditary neoplastic syndrome; Neoplastic Syndromes, Hereditary; Tumor predisposition. Identifiers: Orphanet 140162, MedGen C0027672, MeSH D009386, MONDO:0015356.

Submissions (2):

Ambry Genetics
Classification: Uncertain significance for Hereditary cancer-predisposing syndrome. Last evaluated: 2026-07-07. Review status: criteria provided, single submitter. Criteria: Ambry Variant Classification Scheme 2023. Collection method: clinical testing. Allele origin: germline.
Comment: The p.I144T variant (also known as c.431T>C), located in coding exon 1 of the AXIN2 gene, results from a T to C substitution at nucleotide position 431. The isoleucine at codon 144 is replaced by threonine, an amino acid with similar properties. This amino acid position is conserved. In addition, this alteration is predicted to be tolerated by in silico analysis. Based on the available evidence, the clinical significance of this variant remains unclear.

Labcorp Genetics (formerly Invitae), Labcorp
Classification: Uncertain significance for Oligodontia-cancer predisposition syndrome. Last evaluated: 2023-05-08. Review status: criteria provided, single submitter. Criteria: Invitae Variant Classification Sherloc (09022015). Collection method: clinical testing. Allele origin: germline.
Comment: In summary, the available evidence is currently insufficient to determine the role of this variant in disease. Therefore, it has been classified as a Variant of Uncertain Significance. Advanced modeling of protein sequence and biophysical properties (such as structural, functional, and spatial information, amino acid conservation, physicochemical variation, residue mobility, and thermodynamic stability) performed at Invitae indicates that this missense variant is not expected to disrupt AXIN2 protein function. This variant has not been reported in the literature in individuals affected with AXIN2-related conditions. This variant is not present in population databases (gnomAD no frequency). This sequence change replaces isoleucine, which is neutral and non-polar, with threonine, which is neutral and polar, at codon 144 of the AXIN2 protein (p.Ile144Thr).